The following is an entry in ClinVar:

ClinVar aggregate classification (germline): Likely benign (0 of 4 stars; one submission).

Conditions:
GPATCH3-related disorder. Also called: GPATCH3-related condition.

Allele frequency attached by ClinVar (database versions not stated): gnomAD exomes 0.00002; gnomAD 0.00005; ExAC 0.00007; TOPMed 0.00012.
gnomAD v4.1: 101 of 1,614,210 alleles (0.0063%); highest among the groups gnomAD compares: East Asian, 0.047%; no homozygotes.

Submission:

PreventionGenetics, part of Exact Sciences
Classification: Likely benign for GPATCH3-related condition. Last evaluated: 2019-02-28. Review status: no assertion criteria provided. Collection method: clinical testing. Allele origin: germline.
Comment: This variant is classified as likely benign based on ACMG/AMP sequence variant interpretation guidelines (Richards et al. 2015 PMID: 25741868, with internal and published modifications).

NM_022078.3(GPATCH3):c.636C>T (p.Pro212=)

Gene: GPATCH3 (G-patch domain containing 3; minus strand). Cytogenetic location: 1p36.11.
Variant type: single nucleotide variant.
Coding change: c.636C>T on transcript NM_022078.3 (MANE Select); coding-DNA position 636, C replaced by T.
Protein change: p.Pro212=; no amino-acid change (proline 212 retained).
Molecular consequence: synonymous variant.
Genome position (GRCh38, 1-based): chr1:26,897,541, G>A on the plus strand (C>T on the coding strand, the complement: GPATCH3 is on the minus strand). VCF-style: chr1-26897541-G-A. GRCh37 (hg19) VCF-style: chr1-27224032-G-A.
Identifiers: ClinVar variation 3042198 (VCV003042198.2), dbSNP rs374438369, ClinGen allele CA709333.